The following is an entry in ClinVar:

NM_000321.3(RB1):c.34_51del (p.Thr12_Ala17del)

Gene: RB1 (RB transcriptional corepressor 1; plus strand). Cytogenetic location: 13q14.2.
Variant type: Deletion.
Coding change: c.34_51del on transcript NM_000321.3 (MANE Select); coding-DNA positions 34 to 51, 18 bases deleted (ACCGCCGCCGCTGCCGCC).
Protein change: p.Thr12_Ala17del.
Molecular consequence: inframe deletion. On other transcripts: inframe indel (3).
Genome position (GRCh38, 1-based): chr13:48,303,946-48,303,963, ACCGCCGCCGCTGCCGCC deleted; deleting any 18 consecutive bases within chr13:48,303,940-48,303,963 gives the same sequence; the c. name uses the placement nearest the transcript's 3' end. VCF-style (leftmost placement, unchanged base first): chr13-48303939-GGCCGCCACCGCCGCCGCT-G. GRCh37 (hg19) VCF-style: chr13-48878075-GGCCGCCACCGCCGCCGCT-G.
Other names: c.34_51del18, p.Thr12_Ala17del (NM_001407165.1, NM_001407166.1, NM_001407167.1).
Identifiers: ClinVar variation 1731064 (VCV001731064.2), dbSNP rs2542093312, ClinGen allele CA2580087714.

ClinVar aggregate classification (germline): Uncertain significance (1 of 4 stars; one submission).

Conditions:
Hereditary cancer-predisposing syndrome. Also called: Neoplastic Syndromes, Hereditary; Tumor predisposition; Hereditary Cancer Syndrome; Hereditary neoplastic syndrome. Identifiers: Orphanet 140162, MedGen C0027672, MeSH D009386, MONDO:0015356.

Submission:

Ambry Genetics
Classification: Uncertain significance for Hereditary cancer-predisposing syndrome. Last evaluated: 2022-08-30. Review status: criteria provided, single submitter. Criteria: Ambry Variant Classification Scheme 2023. Collection method: clinical testing. Allele origin: germline.
Comment: The c.34_51del18 variant (also known as p.T12_A17del) is located in coding exon 1 of the RB1 gene. This variant results from an in-frame ACCGCCGCCGCTGCCGCC deletion at nucleotide positions 34 to 51. This results in the in-frame deletion of 6 amino acids starting at codon 12. These amino acid positions are relatively well conserved in available vertebrate species. Since supporting evidence is limited at this time, the clinical significance of this alteration remains unclear.